The following is an entry in ClinVar:

ClinVar aggregate classification (germline): Pathogenic. Review status: criteria provided, multiple submitters, no conflicts (2 of 4 stars). 3 submissions from 3 submitters: Pathogenic (3). Last evaluated 2026-01-20.

Conditions:
Acute infantile liver failure due to synthesis defect of mtDNA-encoded proteins. Also called: LIVER FAILURE, INFANTILE, TRANSIENT; Liver failure acute infantile; TRMU Deficiency. Identifiers: Orphanet 217371, MedGen C3278664, MONDO:0013111, OMIM 613070.
NBAS-related disorder. Also called: NBAS-related condition.

Submissions (3):

PreventionGenetics, part of Exact Sciences
Classification: Pathogenic for NBAS-related condition. Last evaluated: 2026-01-20. Review status: criteria provided, single submitter. Criteria: ACMG Guidelines, 2015. Collection method: clinical testing. Allele origin: germline.
Comment: The NBAS c.500_501delTT variant is predicted to result in a frameshift and premature protein termination (p.Phe167Cysfs*7). This variant has been reported in the compound heterozygous state in an individual with SOPH syndrome with growth hormone deficiency and normal bone age (Li et al. 2018. PubMed ID: 30592236). This variant has not been reported in a large population database (gnomAD), indicating this variant is rare. Frameshift variants in NBAS are expected to be pathogenic. This variant is interpreted as pathogenic.

Women's Health and Genetics/Laboratory Corporation of America, LabCorp
Classification: Pathogenic for Acute infantile liver failure due to synthesis defect of mtDNA-encoded proteins. Last evaluated: 2023-12-08. Review status: criteria provided, single submitter. Criteria: LabCorp Variant Classification Summary - May 2015. Collection method: clinical testing. Allele origin: germline.
Comment: Variant summary: NBAS c.500_501delTT (p.Phe167CysfsX7) results in a premature termination codon, predicted to cause absence of the protein due to nonsense mediated decay, which is a commonly known mechanism for disease. The variant was absent in 251480 control chromosomes. c.500_501delTT has been reported in the literature along with a second variant in NBAS in at-least one individual affected with Short stature, optic nerve atrophy, and Pelger-Huet anomaly (Example, Hu_2017). These data do not allow any conclusion about variant significance. To our knowledge, no experimental evidence demonstrating an impact on protein function has been reported. The following publication have been ascertained in the context of this evaluation (PMID: 29095814). One submitter has cited clinical-significance assessments for this variant to ClinVar after 2014 and has classified the variant as pathogenic. Based on the evidence outlined above, the variant was classified as pathogenic.

Labcorp Genetics (formerly Invitae), Labcorp
Classification: Pathogenic. Last evaluated: 2023-09-29. Review status: criteria provided, single submitter. Criteria: Invitae Variant Classification Sherloc (09022015). Collection method: clinical testing. Allele origin: germline.
Comment: This sequence change creates a premature translational stop signal (p.Phe167Cysfs*7) in the NBAS gene. It is expected to result in an absent or disrupted protein product. Loss-of-function variants in NBAS are known to be pathogenic (PMID: 26073778, 26541327, 27789416, 28031453). This variant is not present in population databases (gnomAD no frequency). This premature translational stop signal has been observed in individual(s) with NBAS-related conditions (PMID: 30592236). ClinVar contains an entry for this variant (Variation ID: 2159340). For these reasons, this variant has been classified as Pathogenic.

Literature cited by the submitters: PubMed 29095814 (cited by Women's Health and Genetics/Laboratory Corporation of America, LabCorp); PubMed 26073778 (cited by Labcorp Genetics (formerly Invitae), Labcorp); PubMed 26541327 (cited by Labcorp Genetics (formerly Invitae), Labcorp); PubMed 27789416 (cited by Labcorp Genetics (formerly Invitae), Labcorp); PubMed 28031453 (cited by Labcorp Genetics (formerly Invitae), Labcorp); PubMed 30592236 (cited by Labcorp Genetics (formerly Invitae), Labcorp).

NM_015909.4(NBAS):c.500_501del (p.Phe167fs)

Gene: NBAS (NBAS subunit of NRZ tethering complex; minus strand). Cytogenetic location: 2p24.3.
Variant type: Deletion.
Coding change: c.500_501del on transcript NM_015909.4 (MANE Select); coding-DNA positions 500 to 501, 2 bases deleted (TT; older notation c.500_501delTT).
Protein change: p.Phe167fs; shifts the reading frame from phenylalanine 167.
Molecular consequence: frameshift variant. On other transcripts: non-coding transcript variant (1).
Genome position (GRCh38, 1-based): chr2:15,539,235-15,539,236, AA deleted on the plus strand (TT on the coding strand, the reverse complement: NBAS is on the minus strand); deleting any 2 consecutive bases within chr2:15,539,235-15,539,237 gives the same sequence; the c. name uses the placement nearest the transcript's 3' end. VCF-style (leftmost placement, unchanged base first): chr2-15539234-CAA-C. GRCh37 (hg19) VCF-style: chr2-15679358-CAA-C.
Other names: c.500_501delTT (NM_015909.4, NM_015909.3); short protein forms F167fs.
Identifiers: ClinVar variation 2159340 (VCV002159340.6), dbSNP rs1232631800, ClinGen allele CA759230898.